The following is an entry in ClinVar:

ClinVar aggregate classification (germline): Uncertain significance (1 of 4 stars; one submission).

Submission:

Women's Health and Genetics/Laboratory Corporation of America, LabCorp
Classification: Uncertain significance. Last evaluated: 2022-05-04. Review status: criteria provided, single submitter. Criteria: LabCorp Variant Classification Summary - May 2015. Collection method: clinical testing. Allele origin: germline.
Comment: Variant summary: ERCC5 c.3556dupA (p.Thr1186AsnfsX18) located in the last exon causes a frameshift which results in an extension of the protein. The variant allele was found at a frequency of 2.1e-05 in 241068 control chromosomes (gnomAD). The available data on variant occurrences in the general population are insufficient to allow any conclusion about variant significance. To our knowledge, no occurrence of c.3556dupA in individuals affected with Xeroderma Pigmentosum and no experimental evidence demonstrating its impact on protein function have been reported. No clinical diagnostic laboratories have submitted clinical-significance assessments for this variant to ClinVar after 2014. Based on the evidence outlined above, the variant was classified as uncertain significance.

NM_000123.4(ERCC5):c.3556dup (p.Thr1186fs)

Genes: BIVM-ERCC5 (BIVM-ERCC5 readthrough; plus strand), ERCC5 (ERCC excision repair 5, endonuclease; plus strand). Cytogenetic location: 13q33.1.
Variant type: Duplication.
Coding change: c.3556dup on transcript NM_000123.4 (MANE Select); coding-DNA position 3556, one base duplicated (A; older notation c.3556dupA).
Protein change: p.Thr1186fs; shifts the reading frame from threonine 1186.
Molecular consequence: frameshift variant.
Genome position (GRCh38, 1-based): chr13:102,875,898, A duplicated; the last of 4 consecutive A bases (chr13:102,875,895-102,875,898); duplicating any one gives the same sequence. VCF-style (leftmost placement, unchanged base first): chr13-102875894-G-GA. GRCh37 (hg19) VCF-style: chr13-103528244-G-GA.
Other names: c.3556dupA (NM_000123.3); c.4918dup, p.Thr1640fs (NM_001204425.2); short protein forms T1186fs, T1640fs.
Identifiers: ClinVar variation 1696087 (VCV001696087.1), dbSNP rs769870504, ClinGen allele CA7041928.